The following is an entry in ClinVar:

ClinVar aggregate classification (germline): Uncertain significance (1 of 4 stars; one submission).

Submission:

GeneDx
Classification: Uncertain significance. Last evaluated: 2021-12-04. Review status: criteria provided, single submitter. Criteria: GeneDx Variant Classification Process June 2021. Collection method: clinical testing. Allele origin: germline. Affected: yes.
Comment: Not observed in large population cohorts (Lek et al., 2016); In silico analysis supports that this missense variant has a deleterious effect on protein structure/function; Has not been previously published as pathogenic or benign to our knowledge

NM_018896.5(CACNA1G):c.4534T>C (p.Trp1512Arg)

Gene: CACNA1G (calcium voltage-gated channel subunit alpha1 G; plus strand). Cytogenetic location: 17q21.33.
Variant type: single nucleotide variant.
Coding change: c.4534T>C on transcript NM_018896.5 (MANE Select); coding-DNA position 4534, T replaced by C.
Protein change: p.Trp1512Arg; replaces tryptophan 1512 with arginine.
Molecular consequence: missense variant. On other transcripts: non-coding transcript variant (5), intron variant (8).
Genome position (GRCh38, 1-based): chr17:50,607,848, T>C. VCF-style: chr17-50607848-T-C. GRCh37 (hg19) VCF-style: chr17-48685209-T-C.
Other names: c.4534T>C, p.Trp1512Arg (NM_001256324.2, NM_001256325.2, NM_001256327.2 and 9 more transcripts); c.4465T>C, p.Trp1489Arg (NM_198376.3, NM_198379.3, NM_198382.3 and 4 more transcripts); c.4513-54T>C (NM_001256360.2); c.4513-60T>C (NM_001256361.2, NM_001256359.2); c.4513-81T>C (NM_001256326.2, NM_001256330.2, NM_001256329.2 and 1 more transcripts); c.4444-81T>C (NM_001256332.2); short protein forms W1489R, W1512R.
Identifiers: ClinVar variation 1327236 (VCV001327236.2), dbSNP rs2145967612, ClinGen allele CA400258638.